The following is an entry in ClinVar:

ClinVar aggregate classification (germline): Likely benign. Review status: criteria provided, multiple submitters, no conflicts (2 of 4 stars). 2 submissions from 2 submitters: Likely benign (2). Last evaluated 2026-04-01.

Submissions (2):

CeGaT Center for Human Genetics Tuebingen
Classification: Likely benign. Last evaluated: 2026-04-01. Review status: criteria provided, single submitter. Criteria: CeGaT Center For Human Genetics Tuebingen Variant Classification Criteria Version 2. Collection method: clinical testing. Allele origin: germline. Affected: yes. Observed: 1 variant allele.
Comment: TIMMDC1: PM2:Supporting, BP4, BP7

Labcorp Genetics (formerly Invitae), Labcorp
Classification: Likely benign. Last evaluated: 2022-02-19. Review status: criteria provided, single submitter. Criteria: Invitae Variant Classification Sherloc (09022015). Collection method: clinical testing. Allele origin: germline.

NM_016589.4(TIMMDC1):c.834A>G (p.Val278=)

Gene: TIMMDC1 (translocase of inner mitochondrial membrane domain containing 1; plus strand). Cytogenetic location: 3q13.33.
Variant type: single nucleotide variant.
Coding change: c.834A>G on transcript NM_016589.4 (MANE Select); coding-DNA position 834, A replaced by G.
Protein change: p.Val278=; no amino-acid change (valine 278 retained).
Molecular consequence: synonymous variant.
Genome position (GRCh38, 1-based): chr3:119,523,732, A>G. VCF-style: chr3-119523732-A-G. GRCh37 (hg19) VCF-style: chr3-119242579-A-G.
Identifiers: ClinVar variation 1907673 (VCV001907673.7), dbSNP rs2473091314, ClinGen allele CA435206386.